The following is an entry in ClinVar:

NM_000038.6(APC):c.5364T>C (p.Arg1788=)

Gene: APC (APC regulator of Wnt signaling pathway; plus strand). Cytogenetic location: 5q22.2.
Variant type: single nucleotide variant.
Coding change: c.5364T>C on transcript NM_000038.6 (MANE Select); coding-DNA position 5364, T replaced by C.
Protein change: p.Arg1788=; no amino-acid change (arginine 1788 retained).
Molecular consequence: synonymous variant. On other transcripts: non-coding transcript variant (2).
Genome position (GRCh38, 1-based): chr5:112,840,958, T>C. VCF-style: chr5-112840958-T-C. GRCh37 (hg19) VCF-style: chr5-112176655-T-C.
Other names: c.5364T>C, p.Arg1788= (NM_001127510.3, NM_001354895.2, NM_001407450.1); c.5310T>C, p.Arg1770= (NM_001127511.3); c.5418T>C, p.Arg1806= (NM_001354896.2, NM_001407447.1, NM_001407448.1 and 1 more transcripts); c.5394T>C, p.Arg1798= (NM_001354897.2); c.5289T>C, p.Arg1763= (NM_001354898.2); c.5280T>C, p.Arg1760= (NM_001354899.2); c.5241T>C, p.Arg1747= (NM_001354900.2); c.5187T>C, p.Arg1729= (NM_001354901.2, NM_001407453.1); and 11 more.
Identifiers: ClinVar variation 3254523 (VCV003254523.1), dbSNP rs2149938397.
Genomic context (GRCh38, chr5:112,840,958, plus strand): 5'-GAAAAAGAAACCAACTTCACCAGTAAAACCTATACCACAAAATACTGAATATAGGACACG[T>C]GTAAGAAAAAATGCAGACTCAAAAAATAATTTAAATGCTGAGAGAGTTTTCTCAGACAAC-3'
Protein context (NP_000029.2, residues 1778-1798): PIPQNTEYRT[Arg1788=]VRKNADSKNN

ClinVar aggregate classification (germline): Benign (1 of 4 stars; one submission).

Conditions:
Familial adenomatous polyposis 1 (FAP1). Also called: FAMILIAL ADENOMATOUS POLYPOSIS 1, ATTENUATED; POLYPOSIS, ADENOMATOUS INTESTINAL. Identifiers: MedGen C2713442, MONDO:0021056, OMIM 175100. Disease mechanism: loss of function.

Submission:

Myriad Genetics, Inc.
Classification: Benign for Familial adenomatous polyposis 1. Last evaluated: 2024-04-02. Review status: criteria provided, single submitter. Criteria: Myriad Autosomal Dominant, Autosomal Recessive and X-Linked Classification Criteria (2023). Collection method: clinical testing. Allele origin: unknown.
Comment: This variant is considered benign. This variant is a silent/synonymous amino acid change and it is not expected to impact splicing.